The following is an entry in ClinVar:

NM_000091.5(COL4A3):c.2434G>C (p.Gly812Arg)

Genes: MFF-DT (MFF divergent transcript; minus strand), COL4A3 (collagen type IV alpha 3 chain; plus strand). Cytogenetic location: 2q36.3.
Variant type: single nucleotide variant.
Coding change: c.2434G>C on transcript NM_000091.5 (MANE Select); coding-DNA position 2434, G replaced by C.
Protein change: p.Gly812Arg; replaces glycine 812 with arginine.
Molecular consequence: missense variant.
Genome position (GRCh38, 1-based): chr2:227,280,952, G>C. VCF-style: chr2-227280952-G-C. GRCh37 (hg19) VCF-style: chr2-228145668-G-C.
Other names: short protein forms G812R.
Identifiers: ClinVar variation 2574483 (VCV002574483.2), dbSNP rs774838919, ClinGen allele CA350849491.

ClinVar aggregate classification (germline): Uncertain significance. Review status: criteria provided, multiple submitters, no conflicts (2 of 4 stars). 2 submissions from 2 submitters: Uncertain significance (2). Last evaluated 2024-03-12.

Conditions:
Autosomal dominant Alport syndrome (ATS3A). Also called: Alport syndrome dominant type; Renal failure and sensorineural hearing loss; ALPORT SYNDROME 3A, AUTOSOMAL DOMINANT. Identifiers: Orphanet 63, Orphanet 88918, MedGen C5882663, MONDO:0007086, OMIM 104200.
Hematuria, benign familial, 2 (BFH2). Identifiers: MedGen C5830421, MONDO:0958186, OMIM 620320.
Alport syndrome 3b, autosomal recessive. Identifiers: MedGen C5882699, MONDO:0957811, OMIM 620536.

gnomAD v4.1: 3 of 1,568,438 alleles (0.00019%); highest among the groups gnomAD compares: African/African-American, 0.0027%; no homozygotes.

Submissions (2):

Fulgent Genetics
Classification: Uncertain significance for Autosomal dominant Alport syndrome; Hematuria, benign familial, 2; Alport syndrome 3b, autosomal recessive. Last evaluated: 2024-03-12. Review status: criteria provided, single submitter. Criteria: ACMG Guidelines, 2015. Collection method: clinical testing. Allele origin: germline.

GeneDx
Classification: Uncertain significance. Last evaluated: 2023-01-27. Review status: criteria provided, single submitter. Criteria: GeneDx Variant Classification Process June 2021. Collection method: clinical testing. Allele origin: germline. Affected: yes.
Comment: Not observed at significant frequency in large population cohorts (gnomAD); In silico analysis supports that this missense variant has a deleterious effect on protein structure/function; Affects a glycine residue in a Gly-X-Y motif in the triple helical region of the COL4A3 gene.; Has not been previously published as pathogenic or benign to our knowledge